The following is an entry in ClinVar:

NM_022114.4(PRDM16):c.2134C>G (p.Gln712Glu)

Gene: PRDM16 (PR/SET domain 16; plus strand). Cytogenetic location: 1p36.32.
Variant type: single nucleotide variant.
Coding change: c.2134C>G on transcript NM_022114.4 (MANE Select); coding-DNA position 2134, C replaced by G.
Protein change: p.Gln712Glu; replaces glutamine 712 with glutamic acid.
Molecular consequence: missense variant.
Genome position (GRCh38, 1-based): chr1:3,412,331, C>G. VCF-style: chr1-3412331-C-G. GRCh37 (hg19) VCF-style: chr1-3328895-C-G.
Other names: c.2134C>G, p.Gln712Glu (NM_199454.3); short protein forms Q712E.
Identifiers: ClinVar variation 1419162 (VCV001419162.6), dbSNP rs2100664124, ClinGen allele CA337999747.

ClinVar aggregate classification (germline): Uncertain significance (1 of 4 stars; one submission).

Conditions:
Left ventricular noncompaction 8 (LVNC8). Identifiers: Orphanet 154, Orphanet 54260, MedGen C3809288, MONDO:0014152, OMIM 615373.

Allele frequency attached by ClinVar (database versions not stated): gnomAD exomes below 0.00001.
gnomAD v4.1: 2 of 1,613,732 alleles (0.00012%); highest among the groups gnomAD compares: South Asian, 0.0022%; no homozygotes.

Submission:

Labcorp Genetics (formerly Invitae), Labcorp
Classification: Uncertain significance for Left ventricular noncompaction 8. Last evaluated: 2021-10-05. Review status: criteria provided, single submitter. Criteria: Invitae Variant Classification Sherloc (09022015). Collection method: clinical testing. Allele origin: germline.
Comment: In summary, the available evidence is currently insufficient to determine the role of this variant in disease. Therefore, it has been classified as a Variant of Uncertain Significance. Algorithms developed to predict the effect of missense changes on protein structure and function (SIFT, PolyPhen-2, Align-GVGD) all suggest that this variant is likely to be tolerated. This variant has not been reported in the literature in individuals affected with PRDM16-related conditions. This variant is not present in population databases (ExAC no frequency). This sequence change replaces glutamine with glutamic acid at codon 712 of the PRDM16 protein (p.Gln712Glu). The glutamine residue is highly conserved and there is a small physicochemical difference between glutamine and glutamic acid.